The following is an entry in ClinVar:

ClinVar aggregate classification (germline): Uncertain significance (1 of 4 stars; one submission).

Allele frequency attached by ClinVar (database versions not stated): gnomAD 0.00001; gnomAD exomes 0.00001; TOPMed 0.00002.
gnomAD v4.1: 16 of 1,613,922 alleles (0.00099%); highest among the groups gnomAD compares: Non-Finnish European, 0.0014%; no homozygotes.

Submission:

Labcorp Genetics (formerly Invitae), Labcorp
Classification: Uncertain significance. Last evaluated: 2021-08-30. Review status: criteria provided, single submitter. Criteria: Invitae Variant Classification Sherloc (09022015). Collection method: clinical testing. Allele origin: germline.
Comment: In summary, the available evidence is currently insufficient to determine the role of this variant in disease. Therefore, it has been classified as a Variant of Uncertain Significance. Algorithms developed to predict the effect of missense changes on protein structure and function output the following: SIFT: "Tolerated"; PolyPhen-2: "Benign"; Align-GVGD: "Class C0". The valine amino acid residue is found in multiple mammalian species, which suggests that this missense change does not adversely affect protein function. This sequence change replaces alanine with valine at codon 232 of the C1QA protein (p.Ala232Val). The alanine residue is moderately conserved and there is a small physicochemical difference between alanine and valine. This variant is not present in population databases (ExAC no frequency). This variant has not been reported in the literature in individuals affected with C1QA-related conditions.

NM_015991.4(C1QA):c.695C>T (p.Ala232Val)

Gene: C1QA (complement C1q A chain; plus strand). Cytogenetic location: 1p36.12.
Variant type: single nucleotide variant.
Coding change: c.695C>T on transcript NM_015991.4 (MANE Select); coding-DNA position 695, C replaced by T.
Protein change: p.Ala232Val; replaces alanine 232 with valine.
Molecular consequence: missense variant.
Genome position (GRCh38, 1-based): chr1:22,639,364, C>T. VCF-style: chr1-22639364-C-T. GRCh37 (hg19) VCF-style: chr1-22965857-C-T.
Other names: c.695C>T, p.Ala232Val (NM_001347465.2, NM_001347466.2); short protein forms A232V.
Identifiers: ClinVar variation 1349250 (VCV001349250.6), dbSNP rs1367800972, ClinGen allele CA338931049.